The following is an entry in ClinVar:

NM_182493.3(MYLK3):c.1781G>A (p.Gly594Glu)

Gene: MYLK3 (myosin light chain kinase 3; minus strand). Cytogenetic location: 16q11.2.
Variant type: single nucleotide variant.
Coding change: c.1781G>A on transcript NM_182493.3 (MANE Select); coding-DNA position 1781, G replaced by A.
Protein change: p.Gly594Glu; replaces glycine 594 with glutamic acid.
Molecular consequence: missense variant.
Genome position (GRCh38, 1-based): chr16:46,727,369, C>T on the plus strand (G>A on the coding strand, the complement: MYLK3 is on the minus strand). VCF-style: chr16-46727369-C-T. GRCh37 (hg19) VCF-style: chr16-46761281-C-T.
Other names: c.758G>A, p.Gly253Glu (NM_001308301.1); short protein forms G594E, G253E.
Identifiers: ClinVar variation 3693040 (VCV003693040.2).

ClinVar aggregate classification (germline): Uncertain significance (1 of 4 stars; one submission).

gnomAD v4.1: 3 of 1,608,682 alleles (0.00019%); highest among the groups gnomAD compares: Non-Finnish European, 0.00026%; no homozygotes.

Submission:

Labcorp Genetics (formerly Invitae), Labcorp
Classification: Uncertain significance. Last evaluated: 2024-05-27. Review status: criteria provided, single submitter. Criteria: Invitae Variant Classification Sherloc (09022015). Collection method: clinical testing. Allele origin: germline.
Comment: This sequence change replaces glycine, which is neutral and non-polar, with glutamic acid, which is acidic and polar, at codon 594 of the MYLK3 protein (p.Gly594Glu). The frequency data for this variant in the population databases is considered unreliable, as metrics indicate poor data quality at this position in the gnomAD database. This variant has not been reported in the literature in individuals affected with MYLK3-related conditions. An algorithm developed to predict the effect of missense changes on protein structure and function (PolyPhen-2) suggests that this variant is likely to be disruptive. In summary, the available evidence is currently insufficient to determine the role of this variant in disease. Therefore, it has been classified as a Variant of Uncertain Significance.